The following is an entry in ClinVar:

NM_001844.5(COL2A1):c.2754del (p.Pro920fs)

Gene: COL2A1 (collagen type II alpha 1 chain; minus strand). Cytogenetic location: 12q13.11.
Variant type: Deletion.
Coding change: c.2754del on transcript NM_001844.5 (MANE Select); coding-DNA position 2754, one base deleted (T; older notation c.2754delT).
Protein change: p.Pro920fs; shifts the reading frame from proline 920.
Molecular consequence: frameshift variant.
Genome position (GRCh38, 1-based): chr12:47,978,738, A deleted on the plus strand (T on the coding strand, the reverse complement: COL2A1 is on the minus strand). VCF-style (leftmost placement, unchanged base first): chr12-47978737-GA-G. GRCh37 (hg19) VCF-style: chr12-48372520-GA-G.
Other names: c.2547del, p.Pro851fs (NM_033150.3); short protein forms P851fs, P920fs.
Identifiers: ClinVar variation 1455543 (VCV001455543.6), dbSNP rs2136528535, ClinGen allele CA2573148642.

ClinVar aggregate classification (germline): Pathogenic (1 of 4 stars; one submission).

Submission:

Labcorp Genetics (formerly Invitae), Labcorp
Classification: Pathogenic. Last evaluated: 2021-12-06. Review status: criteria provided, single submitter. Criteria: Invitae Variant Classification Sherloc (09022015). Collection method: clinical testing. Allele origin: germline.
Comment: For these reasons, this variant has been classified as Pathogenic. This variant has not been reported in the literature in individuals affected with COL2A1-related conditions. This variant is not present in population databases (gnomAD no frequency). This sequence change creates a premature translational stop signal (p.Pro920Leufs*108) in the COL2A1 gene. It is expected to result in an absent or disrupted protein product. Loss-of-function variants in COL2A1 are known to be pathogenic (PMID: 20179744).

Literature cited by the submitters: PubMed 20179744.